The following is an entry in ClinVar:

ClinVar aggregate classification (germline): Pathogenic (1 of 4 stars; one submission).

Conditions:
Androgen resistance syndrome (AIS). Also called: ANDROGEN RECEPTOR DEFICIENCY; DIHYDROTESTOSTERONE RECEPTOR DEFICIENCY; TESTICULAR FEMINIZATION SYNDROME; Androgen insensitivity syndrome due to coactivator deficiency; Androgen insensitivity syndrome; Androgen insensitivity. Identifiers: Orphanet 754, Orphanet 99429, MedGen C0039585, MONDO:0019154, OMIM 300068. Disease mechanism: loss of function.
Kennedy disease (SMAX1). Also called: SPINAL AND BULBAR MUSCULAR ATROPHY, X-LINKED 1; KENNEDY SPINAL AND BULBAR MUSCULAR ATROPHY; Spinal and Bulbar Muscular Atrophy. Identifiers: Orphanet 481, MedGen C1839259, MONDO:0010735, OMIM 313200.

Submission:

Labcorp Genetics (formerly Invitae), Labcorp
Classification: Pathogenic for Kennedy disease; Androgen resistance syndrome. Last evaluated: 2022-07-15. Review status: criteria provided, single submitter. Criteria: Invitae Variant Classification Sherloc (09022015). Collection method: clinical testing. Allele origin: germline.
Comment: This variant is not present in population databases (gnomAD no frequency). This sequence change creates a premature translational stop signal (p.Val245Cysfs*13) in the AR gene. It is expected to result in an absent or disrupted protein product. Loss-of-function variants in AR are known to be pathogenic (PMID: 19463997). For these reasons, this variant has been classified as Pathogenic. This variant has not been reported in the literature in individuals affected with AR-related conditions.

Literature cited by the submitters: PubMed 19463997.

NM_000044.6(AR):c.733del (p.Val245fs)

Gene: AR (androgen receptor; plus strand). Cytogenetic location: Xq12.
Variant type: Deletion.
Coding change: c.733del on transcript NM_000044.6 (MANE Select); coding-DNA position 733, one base deleted (G; older notation c.733delG).
Protein change: p.Val245fs; shifts the reading frame from valine 245.
Molecular consequence: frameshift variant. On other transcripts: 5 prime UTR variant (1).
Genome position (GRCh38, 1-based): chrX:67,545,879, G deleted; the last of 2 consecutive G bases (chrX:67,545,878-67,545,879); deleting either gives the same sequence. VCF-style (leftmost placement, unchanged base first): chrX-67545877-CG-C. GRCh37 (hg19) VCF-style: chrX-66765719-CG-C.
Other names: c.-1051del (NM_001011645.3); c.733del, p.Val245fs (NM_001348061.1, NM_001348063.1, NM_001348064.1); short protein forms V245fs.
Identifiers: ClinVar variation 2017437 (VCV002017437.4), dbSNP rs2519604950, ClinGen allele CA2580101285.
Genomic context (GRCh38, chrX:67,545,877, plus strand): 5'-ATTACTTAGGGGGCACTTCGACCATTTCTGACAACGCCAAGGAGTTGTGTAAGGCAGTGT[CG>C]GTGTCCATGGGCCTGGGTGTGGAGGCGTTGGAGCATCTGAGTCCAGGGGAACAGCTTCGG-3'